The following is an entry in ClinVar:

ClinVar aggregate classification (germline): Benign. Review status: criteria provided, multiple submitters, no conflicts (2 of 4 stars). 4 submissions from 3 submitters: Benign (4). Last evaluated 2019-08-10.

Conditions:
Benign hereditary chorea (BHC). Also called: Benign Hereditary Chorea (BHC); HEREDITARY PROGRESSIVE CHOREA WITHOUT DEMENTIA. Identifiers: Orphanet 1429, MedGen C0393584, MONDO:0021011, OMIM 118700.
Brain-lung-thyroid syndrome. Also called: CHOREOATHETOSIS AND CONGENITAL HYPOTHYROIDISM WITH PULMONARY DYSFUNCTION; Choreoathetosis, Congenital Hypothyroidism, and Neonatal Respiratory Distress Syndrome (Brain-Lung-Thyroid Syndrome); Choreoathetosis, congenital hypothyroidism, and neonatal respiratory distress. Identifiers: Orphanet 209905, MedGen C1970269, MONDO:0012593, OMIM 610978.

Allele frequency attached by ClinVar (database versions not stated): 1000 Genomes Project 0.62181; gnomAD 0.65544 and 0.66186; gnomAD exomes 0.67272.

Submissions (4):

GeneDx
Classification: Benign. Last evaluated: 2019-08-10. Review status: criteria provided, single submitter. Criteria: GeneDx Variant Classification Process June 2021. Collection method: clinical testing. Allele origin: germline. Affected: yes.

Illumina Laboratory Services, Illumina
Classification: Benign for Benign hereditary chorea. Last evaluated: 2018-01-12. Review status: criteria provided, single submitter. Criteria: ICSL Variant Classification Criteria 13 December 2019. Collection method: clinical testing. Allele origin: germline.
Comment: This variant was observed in the ICSL laboratory as part of a predisposition screen in an ostensibly healthy population. It had not been previously curated by ICSL or reported in the Human Gene Mutation Database (HGMD: prior to June 1st, 2018), and was therefore a candidate for classification through an automated scoring system. Utilizing variant allele frequency, disease prevalence and penetrance estimates, and inheritance mode, an automated score was calculated to assess if this variant is too frequent to cause the disease. Based on the score and internal cut-off values, a variant classified as benign is not then subjected to further curation. The score for this variant resulted in a classification of benign for this disease.

Illumina Laboratory Services, Illumina
Classification: Benign for Brain-lung-thyroid syndrome. Last evaluated: 2018-01-12. Review status: criteria provided, single submitter. Criteria: ICSL Variant Classification Criteria 13 December 2019. Collection method: clinical testing. Allele origin: germline.
Comment: the same text as in the submission from Illumina Laboratory Services, Illumina above.

Breakthrough Genomics
Classification: Benign. Review status: criteria provided, single submitter. Criteria: ACMG Guidelines, 2015. Collection method: not provided. Allele origin: germline. Inheritance: Autosomal dominant inheritance. Affected: yes.

NM_001079668.3(NKX2-1):c.*210T>A

Genes: NKX2-1 (NK2 homeobox 1; minus strand), SFTA3 (surfactant associated 3; minus strand). Cytogenetic location: 14q13.3.
Variant type: single nucleotide variant.
Coding change: c.*210T>A on transcript NM_001079668.3 (MANE Select); 210 bases downstream of the stop codon, T replaced by A.
Molecular consequence: 3 prime UTR variant.
Genome position (GRCh38, 1-based): chr14:36,517,068, A>T on the plus strand (T>A on the coding strand, the complement: NKX2-1 is on the minus strand). VCF-style: chr14-36517068-A-T. GRCh37 (hg19) VCF-style: chr14-36986273-A-T.
Other names: c.*210T>A (NM_003317.4).
Identifiers: ClinVar variation 313133 (VCV000313133.7), dbSNP rs10139625, ClinGen allele CA10634835.
Genomic context (GRCh38, chr14:36,517,068, plus strand): 5'-TCTCTGCTTAAAGATTCCTTGAGATTGGATGCGCTTGGTTGTTTTTCATTTTCTTTTTTT[A>T]AAAAAAAAAACCCACAAATTTTAGGGGGGGAAAAAAAGAAAGACGTCCAGCAGTTTGGCC-3'